The following is an entry in ClinVar:

NM_015001.3(SPEN):c.2464C>G (p.Gln822Glu)

Gene: SPEN (spen family transcriptional repressor; plus strand). Cytogenetic location: 1p36.13.
Variant type: single nucleotide variant.
Coding change: c.2464C>G on transcript NM_015001.3 (MANE Select); coding-DNA position 2464, C replaced by G.
Protein change: p.Gln822Glu; replaces glutamine 822 with glutamic acid.
Molecular consequence: missense variant.
Genome position (GRCh38, 1-based): chr1:15,928,704, C>G. VCF-style: chr1-15928704-C-G. GRCh37 (hg19) VCF-style: chr1-16255199-C-G.
Other names: short protein forms Q822E.
Identifiers: ClinVar variation 3771846 (VCV003771846.13).

ClinVar aggregate classification (germline): Likely benign (1 of 4 stars; one submission).

gnomAD v4.1: 45 of 1,613,930 alleles (0.0028%); highest among the groups gnomAD compares: Middle Eastern, 0.016%; no homozygotes.

Submission:

CeGaT Center for Human Genetics Tuebingen
Classification: Likely benign. Last evaluated: 2024-12-01. Review status: criteria provided, single submitter. Criteria: CeGaT Center For Human Genetics Tuebingen Variant Classification Criteria Version 2. Collection method: clinical testing. Allele origin: germline. Affected: yes. Observed: 1 variant allele.
Comment: SPEN: BP4, BS2